The following is an entry in ClinVar:

ClinVar aggregate classification (germline): Uncertain significance. Review status: criteria provided, multiple submitters, no conflicts (2 of 4 stars). 3 submissions from 3 submitters: Uncertain significance (3). Last evaluated 2023-08-29.

Conditions:
Benign neonatal seizures. Also called: Convulsions benign familial neonatal dominant form; Autosomal dominant form of benign neonatal seizures; Benign neonatal familial convulsions; Benign familial neonatal epilepsy; Benign familial neonatal seizures. Identifiers: Orphanet 1949, MedGen C0220669, MONDO:0016027.

Allele frequency attached by ClinVar (database versions not stated): gnomAD exomes below 0.00001; gnomAD 0.00001; TOPMed 0.00001.
gnomAD v4.1: 16 of 1,614,082 alleles (0.00099%); highest among the groups gnomAD compares: African/African-American, 0.0013%; no homozygotes.

Submissions (3):

GeneDx
Classification: Uncertain significance. Last evaluated: 2023-08-29. Review status: criteria provided, single submitter. Criteria: GeneDx Variant Classification Process June 2021. Collection method: clinical testing. Allele origin: germline. Affected: yes.
Comment: Not observed at significant frequency in large population cohorts (gnomAD); In silico analysis supports that this missense variant does not alter protein structure/function; Has not been previously published as pathogenic or benign to our knowledge

Labcorp Genetics (formerly Invitae), Labcorp
Classification: Uncertain significance for Benign neonatal seizures. Last evaluated: 2022-10-21. Review status: criteria provided, single submitter. Criteria: Invitae Variant Classification Sherloc (09022015). Collection method: clinical testing. Allele origin: germline.
Comment: This variant has not been reported in the literature in individuals affected with KCNQ3-related conditions. In summary, the available evidence is currently insufficient to determine the role of this variant in disease. Therefore, it has been classified as a Variant of Uncertain Significance. Advanced modeling of protein sequence and biophysical properties (such as structural, functional, and spatial information, amino acid conservation, physicochemical variation, residue mobility, and thermodynamic stability) performed at Invitae indicates that this missense variant is not expected to disrupt KCNQ3 protein function. ClinVar contains an entry for this variant (Variation ID: 810313). This variant is not present in population databases (gnomAD no frequency). This sequence change replaces proline, which is neutral and non-polar, with threonine, which is neutral and polar, at codon 696 of the KCNQ3 protein (p.Pro696Thr).

CeGaT Center for Human Genetics Tuebingen
Classification: Uncertain significance. Last evaluated: 2019-03-01. Review status: criteria provided, single submitter. Criteria: CeGaT Center For Human Genetics Tuebingen Variant Classification Criteria Version 2. Collection method: clinical testing. Allele origin: germline. Affected: yes. Observed: 1 variant allele.

NM_004519.4(KCNQ3):c.2086C>A (p.Pro696Thr)

Gene: KCNQ3 (potassium voltage-gated channel subfamily Q member 3; minus strand). Cytogenetic location: 8q24.22.
Variant type: single nucleotide variant.
Coding change: c.2086C>A on transcript NM_004519.4 (MANE Select); coding-DNA position 2086, C replaced by A.
Protein change: p.Pro696Thr; replaces proline 696 with threonine.
Molecular consequence: missense variant.
Genome position (GRCh38, 1-based): chr8:132,129,795, G>T on the plus strand (C>A on the coding strand, the complement: KCNQ3 is on the minus strand). VCF-style: chr8-132129795-G-T. GRCh37 (hg19) VCF-style: chr8-133142042-G-T.
Other names: c.1726C>A, p.Pro576Thr (NM_001204824.2); c.2086C>A (NM_004519.3); short protein forms P696T, P576T.
Identifiers: ClinVar variation 810313 (VCV000810313.47), dbSNP rs1055327554, ClinGen allele CA372216978.